The following is an entry in ClinVar:

ClinVar aggregate classification (germline): Uncertain significance (1 of 4 stars; one submission).

Conditions:
Hereditary cancer-predisposing syndrome. Also called: Hereditary Cancer Syndrome; Hereditary neoplastic syndrome; Neoplastic Syndromes, Hereditary; Tumor predisposition. Identifiers: Orphanet 140162, MedGen C0027672, MeSH D009386, MONDO:0015356.

Submission:

Ambry Genetics
Classification: Uncertain significance for Hereditary cancer-predisposing syndrome. Last evaluated: 2025-04-15. Review status: criteria provided, single submitter. Criteria: Ambry Variant Classification Scheme 2023. Collection method: clinical testing. Allele origin: germline.
Comment: The c.3951_3953delAGA variant (also known as p.E1317del) is located in coding exon 15 of the APC gene. This variant results from an in-frame AGA deletion at nucleotide positions 3951 to 3953. This results in the in-frame deletion of a glutamic acid at codon 1317. This amino acid position is not well conserved in available vertebrate species. In addition, the in silico prediction for this alteration is inconclusive (Choi Y et al. PLoS ONE. 2012; 7(10):e46688). Based on the available evidence, the clinical significance of this variant remains unclear.

NM_000038.6(APC):c.3951_3953del (p.Glu1317del)

Gene: APC (APC regulator of Wnt signaling pathway; plus strand). Cytogenetic location: 5q22.2.
Variant type: Deletion.
Coding change: c.3951_3953del on transcript NM_000038.6 (MANE Select); coding-DNA positions 3951 to 3953, 3 bases deleted (AGA; older notation c.3951_3953delAGA).
Protein change: p.Glu1317del; deletes glutamic acid 1317.
Molecular consequence: non-coding transcript variant (on NR_176365.1).
Genome position (GRCh38, 1-based): chr5:112,839,545-112,839,547, AGA deleted; deleting any 3 consecutive bases within chr5:112,839,543-112,839,547 gives the same sequence; the c. name uses the placement nearest the transcript's 3' end. VCF-style (leftmost placement, unchanged base first): chr5-112839542-TGAA-T. GRCh37 (hg19) VCF-style: chr5-112175239-TGAA-T.
Other names: c.3951_3953del, p.Glu1317del (NM_001127510.3, NM_001354895.2, NM_001407450.1); c.3897_3899del, p.Glu1299del (NM_001127511.3); c.4005_4007del, p.Glu1335del (NM_001354896.2, NM_001407447.1, NM_001407448.1 and 1 more transcripts); c.3981_3983del, p.Glu1327del (NM_001354897.2); c.3876_3878del, p.Glu1292del (NM_001354898.2); c.3867_3869del, p.Glu1289del (NM_001354899.2); c.3828_3830del, p.Glu1276del (NM_001354900.2); c.3774_3776del, p.Glu1258del (NM_001354901.2, NM_001407453.1); and 11 more; short protein forms E1157del, E1276del, E1292del, E1299del, E1327del, E1345del, E1234del, E1258del.
Identifiers: ClinVar variation 3928459 (VCV003928459.1).